The following continues an entry in ClinVar:

NM_007294.4(BRCA1):c.843_846del (p.Ser282fs)

Gene: BRCA1. ClinVar aggregate classification (germline): Pathogenic. Pathogenic (1).

Submissions 13 to 35 of 38:

Baylor Genetics
Classification: Pathogenic for Breast-ovarian cancer, familial, susceptibility to, 1. Last evaluated: 2023-07-13. Review status: criteria provided, single submitter. Criteria: ACMG Guidelines, 2015. Collection method: clinical testing. Allele origin: unknown. Not counted in ClinVar's aggregate classification.

Centre for Mendelian Genomics, University Medical Centre Ljubljana
Classification: Pathogenic for Breast-ovarian cancer, familial, susceptibility to, 1. Last evaluated: 2022-12-09. Review status: criteria provided, single submitter. Criteria: ACMG Guidelines, 2015. Collection method: research. Allele origin: germline. Affected: no. Not counted in ClinVar's aggregate classification.
Comment: PVS1, PS4_STR, PM2_SUP

Clinical Genetics Laboratory, Skane University Hospital Lund
Classification: Pathogenic. Last evaluated: 2022-05-27. Review status: criteria provided, single submitter. Criteria: ACMG Guidelines, 2015. Collection method: clinical testing. Allele origin: germline. Affected: yes. Not counted in ClinVar's aggregate classification.

MGZ Medical Genetics Center
Classification: Pathogenic for Breast-ovarian cancer, familial, susceptibility to, 1. Last evaluated: 2021-12-28. Review status: criteria provided, single submitter. Criteria: ACMG Guidelines, 2015. Collection method: clinical testing. Allele origin: germline. Affected: yes. Observed: 1 variant allele. Not counted in ClinVar's aggregate classification.
Comment: ACMG criteria applied: PVS1, PS4_MOD, PM2_SUP

Institute for Clinical Genetics, University Hospital TU Dresden, University Hospital TU Dresden
Classification: Pathogenic. Last evaluated: 2021-11-03. Review status: criteria provided, single submitter. Criteria: ACMG Guidelines, 2015. Collection method: clinical testing. Allele origin: germline. Not counted in ClinVar's aggregate classification.

Fulgent Genetics
Classification: Pathogenic for Familial cancer of breast; Breast-ovarian cancer, familial, susceptibility to, 1; Pancreatic cancer, susceptibility to, 4; Fanconi anemia, complementation group S. Last evaluated: 2021-07-27. Review status: criteria provided, single submitter. Criteria: ACMG Guidelines, 2015. Collection method: clinical testing. Allele origin: unknown. Not counted in ClinVar's aggregate classification.

Women's Health and Genetics/Laboratory Corporation of America, LabCorp
Classification: Pathogenic for Hereditary breast ovarian cancer syndrome. Last evaluated: 2021-04-30. Review status: criteria provided, single submitter. Criteria: LabCorp Variant Classification Summary - May 2015. Collection method: clinical testing. Allele origin: germline. Not counted in ClinVar's aggregate classification.
Comment: Variant summary: BRCA1 c.843_846delCTCA (p.Ser282TyrfsX15) results in a premature termination codon, predicted to cause a truncation of the encoded protein or absence of the protein due to nonsense mediated decay, which are commonly known mechanisms for disease. Truncations downstream of this position have been classified as pathogenic by our laboratory. The variant was absent in 254112 control chromosomes (gnomAD and publication data). c.843_846delCTCA has been reported in the literature in multiple individuals affected with breast cancer and/or ovarian cancer (Wagner_1998, Janezic_1999, Judkins_2005, Song_2014, Rebbeck_2018). These data indicate that the variant is very likely to be associated with disease. To our knowledge, no experimental evidence demonstrating an impact on protein function has been reported. Twelve ClinVar submitters, including one expert panel (ENIGMA), (evaluation after 2014) cite the variant as pathogenic. Based on the evidence outlined above, the variant was classified as pathogenic.

GeneDx
Classification: Pathogenic. Last evaluated: 2021-01-05. Review status: criteria provided, single submitter. Criteria: GeneDx Variant Classification Process June 2021. Collection method: clinical testing. Allele origin: germline. Affected: yes. Not counted in ClinVar's aggregate classification.
Comment: Frameshift variant predicted to result in protein truncation or nonsense mediated decay in a gene for which loss-of-function is a known mechanism of disease; Reported in numerous individuals with personal and/or family histories of breast and/or ovarian cancer (Wagner 1998, Janezic 1999, Stegel 2011, Zhang 2011, Pern 2012, Song 2014, Muendlein 2015); Truncating variants in this gene are considered pathogenic by a well-established clinical consortium and/or database; Not observed in large population cohorts (Lek 2016); Also known as 962del4 and 962_965delCTCA; This variant is associated with the following publications: (PMID: 10196379, 9663595, 21324516, 23110154, 22366370, 21232165, 23397983, 23635950, 24797986, 24728189, 27221827, 25971625, 27533253, 26306726, 25066507, 18489799, 11179017, 27062684, 29339979, 28324225, 31159747, 32341426, 26681312)

Institute of Medical Genetics and Applied Genomics, University Hospital Tübingen
Classification: Pathogenic. Last evaluated: 2020-10-23. Review status: criteria provided, single submitter. Criteria: ACMG Guidelines, 2015. Collection method: clinical testing. Allele origin: germline. Inheritance: Unknown mechanism. Affected: yes. Not counted in ClinVar's aggregate classification.

Laboratory for Molecular Medicine, Mass General Brigham Personalized Medicine
Classification: Pathogenic for Hereditary breast ovarian cancer syndrome. Last evaluated: 2020-06-19. Review status: criteria provided, single submitter. Criteria: ACMG Guidelines, 2015. Collection method: clinical testing. Allele origin: germline. Not counted in ClinVar's aggregate classification.
Comment: The p.Ser282TyrfsX15 variant in BRCA1 has been reported in 23 individuals with BRCA1-related cancers (first published by Wagner 1998 PMID: 9663595). It was absent from large population studies. This variant was classified as pathogenic on 09/08/16 by the ClinGen-approved ENIGMA expert panel (Variation ID 17683). This variant is predicted to cause a frameshift, which alters the protein’s amino acid sequence beginning at position 282 and leads to a premature termination codon 15 amino acids downstream. This alteration is then predicted to lead to a truncated or absent protein. Loss of function of the BRCA1 gene is an established disease mechanism in autosomal dominant hereditary breast and/or ovarian cancer (HBOC). In summary, this variant meets criteria to be classified as pathogenic for autosomal dominant HBOC. ACMG/AMP Criteria applied: PVS1, PS4, PM2.

Department of Molecular Diagnostics, Institute of Oncology Ljubljana
Classification: Pathogenic for Breast-ovarian cancer, familial, susceptibility to, 1. Last evaluated: 2020-04-02. Review status: criteria provided, single submitter. Criteria: ACMG Guidelines, 2015. Collection method: clinical testing. Allele origin: germline. Affected: yes. Not counted in ClinVar's aggregate classification.

GeneKor MSA
Classification: Pathogenic. Last evaluated: 2020-01-01. Review status: criteria provided, single submitter. Criteria: ACMG Guidelines, 2015. Collection method: clinical testing. Allele origin: germline. Affected: no. Not counted in ClinVar's aggregate classification.
Comment: This sequence change deletes 4 nucleotide from exon 11 of the BRCA1 mRNA (c.843_846delCTCA), causing a frameshift after codon 282 and the creation of a premature translation stop signal 15 amino acid residues later- p.(Ser282Tyrfs). This is expected to result in an absent or disrupted protein product.Truncating variants in BRCA1 are known to be pathogenic. This variant has been described in the international literature in individuals undergoing panel testing for hereditary syndrome (PMID: 31159747).This mutation has been described in the mutation database ClinVar (Variation ID: 17683).

Consortium of Investigators of Modifiers of BRCA1/2 (CIMBA), c/o University of Cambridge
Classification: Pathogenic for Breast-ovarian cancer, familial, susceptibility to, 1. Last evaluated: 2015-10-02. Review status: criteria provided, single submitter. Criteria: CIMBA Mutation Classification guidelines May 2016. Collection method: clinical testing. Allele origin: germline. Not counted in ClinVar's aggregate classification.

Department of Medical Genetics, Oslo University Hospital
Classification: Pathogenic for Breast-ovarian cancer, familial, susceptibility to, 1. Last evaluated: 2015-06-28. Review status: criteria provided, single submitter. Criteria: ACMG Guidelines, 2015. Collection method: clinical testing. Allele origin: germline. Affected: yes. Observed: 3 variant alleles. Not counted in ClinVar's aggregate classification.

Molecular Oncology, Hospital Universitario Central de Asturias (HUCA)
Classification: Pathogenic for Breast-ovarian cancer, familial, susceptibility to, 1. Last evaluated: 2021-05-24. Review status: no assertion criteria provided. Collection method: case-control. Allele origin: germline. Affected: yes. Not counted in ClinVar's aggregate classification.

BRCAlab, Lund University
Classification: Pathogenic for Breast-ovarian cancer, familial, susceptibility to, 1. Last evaluated: 2020-03-02. Review status: no assertion criteria provided. Collection method: clinical testing. Allele origin: germline. Affected: yes. Not counted in ClinVar's aggregate classification.

CZECANCA consortium
Classification: Pathogenic for Breast and/or ovarian cancer. Last evaluated: 2019-06-11. Review status: no assertion criteria provided. Collection method: clinical testing. Allele origin: germline. Affected: yes. Observed: 1 variant allele. Not counted in ClinVar's aggregate classification.

Research Molecular Genetics Laboratory, Women's College Hospital, University of Toronto
Classification: Pathogenic for Hereditary breast ovarian cancer syndrome. Last evaluated: 2014-01-31. Review status: no assertion criteria provided. Collection method: research. Allele origin: germline. Affected: yes. Study: The Canadian Open Genetics Repository (COGR). Not counted in ClinVar's aggregate classification.

Sharing Clinical Reports Project (SCRP)
Classification: Pathogenic for Breast-ovarian cancer, familial 1. Last evaluated: 2013-05-28. Review status: no assertion criteria provided. Collection method: clinical testing. Allele origin: germline. Not counted in ClinVar's aggregate classification.

Breast Cancer Information Core (BIC) (BRCA1)
Classification: Pathogenic for Breast-ovarian cancer, familial 1. Last evaluated: 2002-05-29. Review status: no assertion criteria provided. Collection method: clinical testing. Allele origin: germline. Affected: yes. Observed: 19 variant alleles. Not counted in ClinVar's aggregate classification.

Foulkes Cancer Genetics LDI, Lady Davis Institute for Medical Research
Classification: Pathogenic for Breast and/or ovarian cancer. Last evaluated: 2000-08-01. Review status: no assertion criteria provided. Collection method: clinical testing. Allele origin: germline. Study: The Canadian Open Genetics Repository (COGR). Not counted in ClinVar's aggregate classification.

OMIM
Classification: Pathogenic for BREAST-OVARIAN CANCER, FAMILIAL, SUSCEPTIBILITY TO, 1. Last evaluated: 1999-05-01. Review status: no assertion criteria provided. Collection method: literature only. Allele origin: germline. Not counted in ClinVar's aggregate classification.

Clinical Genetics DNA and cytogenetics Diagnostics Lab, Erasmus MC, Erasmus Medical Center
Classification: Pathogenic. Review status: no assertion criteria provided. Collection method: clinical testing. Allele origin: germline. Affected: yes. Study: VKGL Data-share Consensus. Not counted in ClinVar's aggregate classification.